The following is an entry in ClinVar:

NM_153460.4(IL17RC):c.1338+5G>A

Gene: IL17RC (interleukin 17 receptor C; plus strand). Cytogenetic location: 3p25.3.
Variant type: single nucleotide variant.
Coding change: c.1338+5G>A on transcript NM_153460.4 (MANE Select); 5 bases into the intron after coding-DNA position 1338, G replaced by A.
Molecular consequence: intron variant.
Genome position (GRCh38, 1-based): chr3:9,930,464, G>A. VCF-style: chr3-9930464-G-A. GRCh37 (hg19) VCF-style: chr3-9972148-G-A.
Other names: c.1551+5G>A (NM_153461.4); c.1338+5G>A (NM_001203263.2); c.1287+5G>A (NM_001203264.2); c.1299+5G>A (NM_001367278.1); c.1293+5G>A (NM_032732.6, NM_001367280.1); c.1242+5G>A (NM_001203265.2); c.1218+5G>A (NM_001367279.1).
Identifiers: ClinVar variation 1999659 (VCV001999659.4), dbSNP rs2470360406, ClinGen allele CA2580070621.

ClinVar aggregate classification (germline): Uncertain significance (1 of 4 stars; one submission).

Conditions:
Candidiasis, familial, 9 (CANDF9). Identifiers: Orphanet 1334, MedGen C4225324, MONDO:0014642, OMIM 616445.

Submission:

Labcorp Genetics (formerly Invitae), Labcorp
Classification: Uncertain significance for Candidiasis, familial, 9. Last evaluated: 2022-05-27. Review status: criteria provided, single submitter. Criteria: Invitae Variant Classification Sherloc (09022015). Collection method: clinical testing. Allele origin: germline.
Comment: This sequence change falls in intron 15 of the IL17RC gene. It does not directly change the encoded amino acid sequence of the IL17RC protein. It affects a nucleotide within the consensus splice site. This variant is not present in population databases (gnomAD no frequency). This variant has not been reported in the literature in individuals affected with IL17RC-related conditions. Variants that disrupt the consensus splice site are a relatively common cause of aberrant splicing (PMID: 17576681, 9536098). Algorithms developed to predict the effect of sequence changes on RNA splicing suggest that this variant may disrupt the consensus splice site. In summary, the available evidence is currently insufficient to determine the role of this variant in disease. Therefore, it has been classified as a Variant of Uncertain Significance.

Literature cited by the submitters: PubMed 17576681; PubMed 9536098.